The following is an entry in ClinVar:

NM_001370259.2(MEN1):c.983A>C (p.His328Pro)

Gene: MEN1 (menin 1; minus strand). Cytogenetic location: 11q13.1.
Variant type: single nucleotide variant.
Coding change: c.983A>C on transcript NM_001370259.2 (MANE Select); coding-DNA position 983, A replaced by C.
Protein change: p.His328Pro; replaces histidine 328 with proline.
Molecular consequence: missense variant. On other transcripts: non-coding transcript variant (4).
Genome position (GRCh38, 1-based): chr11:64,806,298, T>G on the plus strand (A>C on the coding strand, the complement: MEN1 is on the minus strand). VCF-style: chr11-64806298-T-G. GRCh37 (hg19) VCF-style: chr11-64573770-T-G.
Other names: c.998A>C, p.His333Pro (NM_000244.4, NM_001407145.1, NM_001407150.1 and 5 more transcripts); c.983A>C, p.His328Pro (NM_001370251.2, NM_001370260.2, NM_001370261.2 and 7 more transcripts); c.878A>C, p.His293Pro (NM_001370262.2, NM_001370263.2, NM_001407148.1 and 2 more transcripts); short protein forms H328P, H293P, H333P.
Identifiers: ClinVar variation 2824996 (VCV002824996.3), dbSNP rs2497174269, ClinGen allele CA381183312.
Genomic context (GRCh38, chr11:64,806,298, plus strand): 5'-ATGACAGTGGCCGTGTCCGCCCAGGCCTGCAGGGCTTCCCGCACATTGCGGTTGCGACAG[T>G]GGTAGCCAGCCAGGTACATGTAGGGGTAGATGTGTTCATCCCGATAGTAGGTCTTGGCTG-3'
Protein context (NP_001357188.2, residues 318-338): IYPYMYLAGY[His328Pro]CRNRNVREAL

ClinVar aggregate classification (germline): Likely pathogenic (1 of 4 stars; one submission).

Conditions:
Multiple endocrine neoplasia, type 1 (MEN1). Also called: MEN I; WERMER SYNDROME; Endocrine adenomatosis multiple; MEN 1; MEA I. Identifiers: Orphanet 652, MedGen C0025267, MeSH D018761, MONDO:0007540, OMIM 131100.

Submission:

Labcorp Genetics (formerly Invitae), Labcorp
Classification: Likely pathogenic for Multiple endocrine neoplasia, type 1. Last evaluated: 2024-05-26. Review status: criteria provided, single submitter. Criteria: Invitae Variant Classification Sherloc (09022015). Collection method: clinical testing. Allele origin: germline.
Comment: This sequence change replaces histidine, which is basic and polar, with proline, which is neutral and non-polar, at codon 328 of the MEN1 protein (p.His328Pro). This variant is not present in population databases (gnomAD no frequency). This missense change has been observed in individual(s) with clinical features of multiple endocrine neoplasia type 1 (MEN1) (Invitae). Advanced modeling of protein sequence and biophysical properties (such as structural, functional, and spatial information, amino acid conservation, physicochemical variation, residue mobility, and thermodynamic stability) performed at Invitae indicates that this missense variant is expected to disrupt MEN1 protein function with a positive predictive value of 95%. In summary, the currently available evidence indicates that the variant is pathogenic, but additional data are needed to prove that conclusively. Therefore, this variant has been classified as Likely Pathogenic.